The following is an entry in ClinVar:

NM_001127222.2(CACNA1A):c.6735_6736delinsTC (p.Trp2245_Ser2246delinsCysPro)

Genes: CACNA1A (calcium voltage-gated channel subunit alpha1 A; minus strand), LOC130063717 (ATAC-STARR-seq lymphoblastoid silent region 10203; plus strand). Cytogenetic location: 19p13.13.
Variant type: Indel.
Coding change: c.6735_6736delinsTC on transcript NM_001127222.2 (MANE Select); coding-DNA positions 6735 to 6736, GT replaced by TC.
Protein change: p.Trp2245_Ser2246delinsCysPro.
Molecular consequence: missense variant.
Genome position (GRCh38, 1-based): chr19:13,208,800-13,208,801, AC replaced by GA on the plus strand (GT replaced by TC on the coding strand, the reverse complement: CACNA1A is on the minus strand). VCF-style: chr19-13208800-AC-GA. GRCh37 (hg19) VCF-style: chr19-13319614-AC-GA.
Other names: c.6753_6754delinsTC, p.Trp2251_Ser2252delinsCysPro (NM_000068.4, NM_023035.3); c.6738_6739delinsTC, p.Trp2246_Ser2247delinsCysPro (NM_001127221.2); c.6744_6745delinsTC, p.Trp2248_Ser2249delinsCysPro (NM_001174080.2).
Identifiers: ClinVar variation 4785734 (VCV004785734.1).

ClinVar aggregate classification (germline): Uncertain significance (1 of 4 stars; one submission).

Conditions:
Episodic ataxia type 2 (EA2). Also called: ACETAZOLAMIDE-RESPONSIVE HEREDITARY PAROXYSMAL CEREBELLAR ATAXIA; ATAXIA, EPISODIC, WITH NYSTAGMUS; ATAXIA, FAMILIAL PAROXYSMAL; CEREBELLAR ATAXIA, PAROXYSMAL, ACETAZOLAMIDE-RESPONSIVE; CEREBELLOPATHY, HEREDITARY PAROXYSMAL; EPISODIC ATAXIA, NYSTAGMUS-ASSOCIATED. Identifiers: Orphanet 97, MedGen C1720416, MONDO:0007163, OMIM 108500.
Developmental and epileptic encephalopathy, 42 (DEE42A). Also called: Epileptic encephalopathy, early infantile, 42; DEVELOPMENTAL AND EPILEPTIC ENCEPHALOPATHY 42A; EPILEPTIC ENCEPHALOPATHY, EARLY INFANTILE, 42A. Identifiers: MedGen C4310716, MONDO:0014917, OMIM 617106.

Submission:

Labcorp Genetics (formerly Invitae), Labcorp
Classification: Uncertain significance for Developmental and epileptic encephalopathy, 42; Episodic ataxia type 2. Last evaluated: 2025-10-22. Review status: criteria provided, single submitter. Criteria: Invitae Variant Classification Sherloc (09022015). Collection method: clinical testing. Allele origin: germline.
Comment: This variant, c.6738_6739delinsTC, is a complex sequence change that results in the deletion of 2 and insertion of 2 amino acid(s) in the CACNA1A protein (p.Trp2246_Ser2247delinsCysPro). Information on the frequency of this variant in the gnomAD database is not available, as this variant may be reported differently in the database. This variant has not been reported in the literature in individuals affected with CACNA1A-related conditions. Experimental studies and prediction algorithms are not available or were not evaluated, and the functional significance of this variant is currently unknown. In summary, the available evidence is currently insufficient to determine the role of this variant in disease. Therefore, it has been classified as a Variant of Uncertain Significance.